The following is an entry in ClinVar:

NM_025136.4(OPA3):c.*6208C>T

Genes: OPA3-RTN2 (OPA3-RTN2 readthrough; minus strand), OPA3 (outer mitochondrial membrane lipid metabolism regulator OPA3; minus strand). Cytogenetic location: 19q13.32.
Variant type: single nucleotide variant.
Coding change: c.*6208C>T on transcript NM_025136.4 (MANE Select); 6208 bases downstream of the stop codon, C replaced by T.
Molecular consequence: 3 prime UTR variant. On other transcripts: intron variant (1).
Genome position (GRCh38, 1-based): chr19:45,547,306, G>A on the plus strand (C>T on the coding strand, the complement: OPA3 is on the minus strand). VCF-style: chr19-45547306-G-A. GRCh37 (hg19) VCF-style: chr19-46050564-G-A.
Other names: c.143-17850C>T (NM_001017989.3).
Identifiers: ClinVar variation 329570 (VCV000329570.6), dbSNP rs139798464, ClinGen allele CA10652560.
Genomic context (GRCh38, chr19:45,547,306, plus strand): 5'-CCCCTCGCTTACTCTATTCCAGGGGATGGTAAACTTTTTCTGTAAAGGGCCAGAGAGTAC[G>A]AGAGCCCTAGGATCTCTGTGCAAATACTCAGCTCTGTCACTGTACTGCAAAAGCAACTGT-3'

ClinVar aggregate classification (germline): Conflicting classifications of pathogenicity. Review status: criteria provided, conflicting classifications (1 of 4 stars). 3 submissions from 2 submitters: Uncertain significance (1); Benign (1); Likely benign (1). Last evaluated 2021-05-24.

Conditions:
Optic atrophy 3 (OPA3). Also called: OPTIC ATROPHY 3, AUTOSOMAL DOMINANT; Optic atrophy, cataract, and neurologic disorder; Optic atrophy 3 with cataract. Identifiers: Orphanet 67036, MedGen C1833809, MONDO:0008133, OMIM 165300.
3-Methylglutaconic aciduria type 3 (MGCA3). Also called: OPA3, AUTOSOMAL RECESSIVE; OPTIC ATROPHY 3, AUTOSOMAL RECESSIVE; Costeff Syndrome; OPA3-Related 3-Methylglutaconic Aciduria. Identifiers: Orphanet 67047, MedGen C0574084, MONDO:0009787, OMIM 258501.

Allele frequency attached by ClinVar (database versions not stated): 1000 Genomes Project 0.00359; 1000 Genomes Project 30x 0.00422; gnomAD 0.00433 and 0.00458; TOPMed 0.00490.

Submissions (3):

GeneDx
Classification: Likely benign. Last evaluated: 2021-05-24. Review status: criteria provided, single submitter. Criteria: GeneDx Variant Classification Process June 2021. Collection method: clinical testing. Allele origin: germline. Affected: yes.

Illumina Laboratory Services, Illumina
Classification: Uncertain significance for 3-Methylglutaconic aciduria type 3. Last evaluated: 2018-01-13. Review status: criteria provided, single submitter. Criteria: ICSL Variant Classification Criteria 13 December 2019. Collection method: clinical testing. Allele origin: germline.

Illumina Laboratory Services, Illumina
Classification: Benign for Optic atrophy 3. Last evaluated: 2018-01-13. Review status: criteria provided, single submitter. Criteria: ICSL Variant Classification Criteria 13 December 2019. Collection method: clinical testing. Allele origin: germline.
Comment: This variant was observed in the ICSL laboratory as part of a predisposition screen in an ostensibly healthy population. It had not been previously curated by ICSL or reported in the Human Gene Mutation Database (HGMD: prior to June 1st, 2018), and was therefore a candidate for classification through an automated scoring system. Utilizing variant allele frequency, disease prevalence and penetrance estimates, and inheritance mode, an automated score was calculated to assess if this variant is too frequent to cause the disease. Based on the score and internal cut-off values, a variant classified as benign is not then subjected to further curation. The score for this variant resulted in a classification of benign for this disease.